The following is an entry in ClinVar:

ClinVar aggregate classification (germline): Uncertain significance (1 of 4 stars; one submission).

Conditions:
Neurodevelopmental disorder with or without seizures and gait abnormalities. Identifiers: MedGen C4693391, MONDO:0060641, OMIM 617864.

gnomAD v4.1: 34 of 1,613,822 alleles (0.0021%); highest among the groups gnomAD compares: South Asian, 0.034%; no homozygotes.

Submission:

Neuberg Centre For Genomic Medicine, NCGM
Classification: Uncertain significance for Neurodevelopmental disorder with or without seizures and gait abnormalities. Last evaluated: 2023-06-22. Review status: criteria provided, single submitter. Criteria: ACMG Guidelines, 2015. Collection method: clinical testing. Allele origin: germline. Inheritance: Autosomal dominant inheritance. Affected: yes.
Comment: The observed missense variant c.376G>A(p.Gly126Arg) in GRIA4 gene has not been reported previously as a pathogenic variant nor as a benign variant, to our knowledge. This variant is reported with the allele frequency of 0.004% in the gnomAD Exomes. The amino acid Glycine at position 126 is changed to a Arginine changing protein sequence and it might alter its composition and physico-chemical properties. The amino acid change p.Gly126Arg in GRIA4 is predicted as conserved by GERP++ and PhyloP across 100 vertebrates. Computational evidence (Polyphen - Benign, SIFT - Tolerated, and MutationTaster - Disease causing) predicts conflicting evidence on protein structure and function for this variant. For these reasons, this variant has been classified as uncertain significance.

NM_000829.4(GRIA4):c.376G>A (p.Gly126Arg)

Genes: GRIA4 (glutamate ionotropic receptor AMPA type subunit 4; plus strand), LOC126861324 (CDK7 strongly-dependent group 2 enhancer GRCh37_chr11:105623830-105625029; plus strand). Cytogenetic location: 11q22.3.
Variant type: single nucleotide variant.
Coding change: c.376G>A on transcript NM_000829.4 (MANE Select); coding-DNA position 376, G replaced by A.
Protein change: p.Gly126Arg; replaces glycine 126 with arginine.
Molecular consequence: missense variant. On other transcripts: non-coding transcript variant (1).
Genome position (GRCh38, 1-based): chr11:105,753,109, G>A. VCF-style: chr11-105753109-G-A. GRCh37 (hg19) VCF-style: chr11-105623835-G-A.
Other names: c.376G>A, p.Gly126Arg (NM_001077243.3, NM_001077244.2, NM_001112812.2); short protein forms G126R.
Identifiers: ClinVar variation 3731402 (VCV003731402.1).